The following is an entry in ClinVar:

ClinVar aggregate classification (germline): Uncertain significance. Review status: criteria provided, multiple submitters, no conflicts (2 of 4 stars). 2 submissions from 2 submitters: Uncertain significance (2). Last evaluated 2024-06-26.

Conditions:
RASopathy. Also called: Noonan spectrum disorder; rasopathies. Identifiers: Orphanet 536391, MedGen C5555857, MONDO:0021060.
Cardiovascular phenotype. Identifiers: MedGen CN230736.

Allele frequency attached by ClinVar (database versions not stated): gnomAD exomes 0.00001.
gnomAD v4.1: 14 of 1,576,218 alleles (0.00089%); highest among the groups gnomAD compares: Middle Eastern, 0.017%; no homozygotes.

Submissions (2):

Labcorp Genetics (formerly Invitae), Labcorp
Classification: Uncertain significance for RASopathy. Last evaluated: 2024-06-26. Review status: criteria provided, single submitter. Criteria: Invitae Variant Classification Sherloc (09022015). Collection method: clinical testing. Allele origin: germline.
Comment: This sequence change replaces glutamic acid, which is acidic and polar, with glutamine, which is neutral and polar, at codon 1165 of the SOS1 protein (p.Glu1165Gln). This variant is not present in population databases (gnomAD no frequency). This variant has not been reported in the literature in individuals affected with SOS1-related conditions. ClinVar contains an entry for this variant (Variation ID: 1731970). Advanced modeling of protein sequence and biophysical properties (such as structural, functional, and spatial information, amino acid conservation, physicochemical variation, residue mobility, and thermodynamic stability) has been performed at Invitae for this missense variant, however the output from this modeling did not meet the statistical confidence thresholds required to predict the impact of this variant on SOS1 protein function. In summary, the available evidence is currently insufficient to determine the role of this variant in disease. Therefore, it has been classified as a Variant of Uncertain Significance.

Ambry Genetics
Classification: Uncertain significance for Cardiovascular phenotype. Last evaluated: 2023-12-20. Review status: criteria provided, single submitter. Criteria: Ambry Variant Classification Scheme 2023. Collection method: clinical testing. Allele origin: germline.
Comment: The p.E1165Q variant (also known as c.3493G>C), located in coding exon 22 of the SOS1 gene, results from a G to C substitution at nucleotide position 3493. The glutamic acid at codon 1165 is replaced by glutamine, an amino acid with highly similar properties. This amino acid position is highly conserved in available vertebrate species. In addition, this alteration is predicted to be tolerated by in silico analysis. Since supporting evidence is limited at this time, the clinical significance of this alteration remains unclear.

NM_005633.4(SOS1):c.3493G>C (p.Glu1165Gln)

Gene: SOS1 (SOS Ras/Rac guanine nucleotide exchange factor 1; minus strand). Cytogenetic location: 2p22.1.
Variant type: single nucleotide variant.
Coding change: c.3493G>C on transcript NM_005633.4 (MANE Select); coding-DNA position 3493, G replaced by C.
Protein change: p.Glu1165Gln; replaces glutamic acid 1165 with glutamine.
Molecular consequence: missense variant.
Genome position (GRCh38, 1-based): chr2:38,987,490, C>G on the plus strand (G>C on the coding strand, the complement: SOS1 is on the minus strand). VCF-style: chr2-38987490-C-G. GRCh37 (hg19) VCF-style: chr2-39214631-C-G.
Other names: c.3472G>C, p.Glu1158Gln (NM_001382394.1); c.3448G>C, p.Glu1150Gln (NM_001382395.1); short protein forms E1158Q, E1150Q, E1165Q.
Identifiers: ClinVar variation 1731970 (VCV001731970.4), dbSNP rs200718029, ClinGen allele CA45641432.
Genomic context (GRCh38, chr2:38,987,490, plus strand): 5'-TGTAATGATTCCAATTTCTACACAACAAGATTTCTTACTTTACCTTAGATGGTGAAGATT[C>G]TGCTGGGGCAGATTCTGGTCGTCTTCGTGGAGGAACAGGAGGAGGGACAGGCACTTCATC-3'
Protein context (NP_005624.2, residues 1155-1175): PRRRPESAPA[Glu1165Gln]SSPSKIMSKH